The following is an entry in ClinVar:

ClinVar aggregate classification (germline): Benign. Review status: criteria provided, multiple submitters, no conflicts (2 of 4 stars). 16 submissions from 14 submitters: Benign (13). 3 of the submissions do not count toward it. Last evaluated 2026-02-04.

Conditions:
RYR1-related disorder. Also called: RYR1-related condition; RYR1-related disorders. Identifiers: MedGen CN239331.
Central core myopathy (CMYO1A). Also called: CONGENITAL MYOPATHY 1A, AUTOSOMAL DOMINANT, WITH SUSCEPTIBILITY TO MALIGNANT HYPERTHERMIA; Central core disease; Myopathy, central fibrillar. Identifiers: Orphanet 597, MedGen C5830701, MONDO:0007294, OMIM 117000.
Malignant hyperthermia, susceptibility to, 1 (MHS1). Also called: RYR1-Related Malignant Hyperthermia Susceptibility; Malignant hyperthermia suceptibility 1; Anesthesia related hyperthermia; Malignant hyperpyrexia; Fulminating hyperpyrexia; Pharmacogenic myopathy. Identifiers: Orphanet 423, MedGen C2930980, MONDO:0007783, OMIM 145600.
Congenital multicore myopathy with external ophthalmoplegia (CMYO1B). Also called: Congenital myopathy 1B, autosomal recessive; Minicore myopathy; Minicore myopathy with external ophthalmoplegia; MULTIMINICORE DISEASE WITH EXTERNAL OPHTHALMOPLEGIA; MULTICORE MYOPATHY. Identifiers: Orphanet 598, Orphanet 98905, MedGen C1850674, MONDO:0009712, OMIM 255320, HP:0003789.

Allele frequency attached by ClinVar (database versions not stated): ESP Exome Variant Server 0.05436; TOPMed 0.05817; gnomAD 0.05835 and 0.06289; gnomAD exomes 0.08511; ExAC 0.08523; 1000 Genomes Project 30x 0.08698; 1000 Genomes Project 0.09046.
gnomAD v4.1: 116,768 of 1,613,208 alleles (7.2%); highest among the groups gnomAD compares: South Asian, 15%; 4,932 homozygotes.

Submissions (16):

Labcorp Genetics (formerly Invitae), Labcorp
Classification: Benign for RYR1-related disorder. Last evaluated: 2026-02-04. Review status: criteria provided, single submitter. Criteria: Invitae Variant Classification Sherloc (09022015). Collection method: clinical testing. Allele origin: germline.

ARUP Laboratories, Molecular Genetics and Genomics, ARUP Laboratories
Classification: Benign. Last evaluated: 2025-06-30. Review status: criteria provided, single submitter. Criteria: ARUP Molecular Germline Variant Investigation Process 2024. Collection method: clinical testing. Allele origin: germline.

Color Diagnostics, LLC DBA Color Health
Classification: Benign for Malignant hyperthermia, susceptibility to, 1. Last evaluated: 2019-03-29. Review status: criteria provided, single submitter. Criteria: ACMG Guidelines, 2015. Collection method: clinical testing. Allele origin: germline.

PreventionGenetics, part of Exact Sciences
Classification: Benign. Last evaluated: 2018-03-29. Review status: criteria provided, single submitter. Criteria: ACMG Guidelines, 2015. Collection method: clinical testing. Allele origin: germline.

Illumina Laboratory Services, Illumina
Classification: Benign for Central core myopathy. Last evaluated: 2018-01-13. Review status: criteria provided, single submitter. Criteria: ICSL Variant Classification Criteria 13 December 2019. Collection method: clinical testing. Allele origin: germline.
Comment: This variant was observed in the ICSL laboratory as part of a predisposition screen in an ostensibly healthy population. It had not been previously curated by ICSL or reported in the Human Gene Mutation Database (HGMD: prior to June 1st, 2018), and was therefore a candidate for classification through an automated scoring system. Utilizing variant allele frequency, disease prevalence and penetrance estimates, and inheritance mode, an automated score was calculated to assess if this variant is too frequent to cause the disease. Based on the score and internal cut-off values, a variant classified as benign is not then subjected to further curation. The score for this variant resulted in a classification of benign for this disease.

Illumina Laboratory Services, Illumina
Classification: Benign for Malignant hyperthermia, susceptibility to, 1. Last evaluated: 2018-01-13. Review status: criteria provided, single submitter. Criteria: ICSL Variant Classification Criteria 13 December 2019. Collection method: clinical testing. Allele origin: germline.
Comment: the same text as in the submission from Illumina Laboratory Services, Illumina above.

Illumina Laboratory Services, Illumina
Classification: Benign for Congenital multicore myopathy with external ophthalmoplegia. Last evaluated: 2018-01-13. Review status: criteria provided, single submitter. Criteria: ICSL Variant Classification Criteria 13 December 2019. Collection method: clinical testing. Allele origin: germline.
Comment: the same text as in the submission from Illumina Laboratory Services, Illumina above.

Mayo Clinic Laboratories, Mayo Clinic
Classification: Benign. Last evaluated: 2017-10-02. Review status: criteria provided, single submitter. Criteria: ACMG Guidelines, 2015. Collection method: clinical testing. Allele origin: germline. Observed: 92 variant alleles.

GeneDx
Classification: Benign. Last evaluated: 2016-01-29. Review status: criteria provided, single submitter. Criteria: GeneDx Variant Classification (06012015). Collection method: clinical testing. Allele origin: germline. Affected: yes.
Comment: This variant is considered likely benign or benign based on one or more of the following criteria: it is a conservative change, it occurs at a poorly conserved position in the protein, it is predicted to be benign by multiple in silico algorithms, and/or has population frequency not consistent with disease.

Laboratory for Molecular Medicine, Mass General Brigham Personalized Medicine
Classification: Benign. Last evaluated: 2015-01-13. Review status: criteria provided, single submitter. Criteria: LMM Criteria. Collection method: clinical testing. Allele origin: germline. Observed: 1 variant allele.
Comment: p.Leu3230Leu in exon 66 of RYR1: This variant is not expected to have clinical s ignificance because it does not alter an amino acid residue and is not located w ithin the splice consensus sequence. It has been identified in 6.6% (571/8600) o f European American chromosomes from a broad population by the NHLBI Exome Seque ncing Project (dbSNP rs2304151).

Genetic Services Laboratory, University of Chicago
Classification: Benign. Last evaluated: 2013-08-15. Review status: criteria provided, single submitter. Criteria: ACMG Guidelines, 2007. Collection method: clinical testing. Allele origin: germline. Inheritance: Autosomal unknown.

Eurofins Ntd Llc (ga)
Classification: Benign. Last evaluated: 2013-07-31. Review status: criteria provided, single submitter. Criteria: EGL Classification Definitions 2015. Collection method: clinical testing. Allele origin: germline. Observed: 6 variant alleles, 6 heterozygotes.

Breakthrough Genomics
Classification: Benign. Review status: criteria provided, single submitter. Criteria: ACMG Guidelines, 2015. Collection method: not provided. Allele origin: germline. Inheritance: Autosomal recessive inheritance. Affected: yes.

Clinical Genetics, Academic Medical Center
Classification: Benign. Review status: no assertion criteria provided. Collection method: clinical testing. Allele origin: germline. Affected: yes. Study: VKGL Data-share Consensus. Not counted in ClinVar's aggregate classification.

Joint Genome Diagnostic Labs from Nijmegen and Maastricht, Radboudumc and MUMC+
Classification: Benign. Review status: no assertion criteria provided. Collection method: clinical testing. Allele origin: germline. Affected: yes. Study: VKGL Data-share Consensus. Not counted in ClinVar's aggregate classification.

RYR1 database
No classification provided. Review status: no classification provided. Collection method: not provided. Allele origin: unknown. Not counted in ClinVar's aggregate classification.

NM_000540.3(RYR1):c.9690G>A (p.Leu3230=)

Gene: RYR1 (ryanodine receptor 1; plus strand). Cytogenetic location: 19q13.2.
Variant type: single nucleotide variant.
Coding change: c.9690G>A on transcript NM_000540.3 (MANE Select); coding-DNA position 9690, G replaced by A.
Protein change: p.Leu3230=; no amino-acid change (leucine 3230 retained).
Molecular consequence: synonymous variant.
Genome position (GRCh38, 1-based): chr19:38,517,363, G>A. VCF-style: chr19-38517363-G-A. GRCh37 (hg19) VCF-style: chr19-39008003-G-A.
Other names: p.Leu3230=; c.9690G>A, p.Leu3230= (NM_001042723.2).
Identifiers: ClinVar variation 93308 (VCV000093308.37), dbSNP rs2304151, ClinGen allele CA024997.